The following is an entry in ClinVar:

ClinVar aggregate classification (germline): Uncertain significance. Review status: criteria provided, multiple submitters, no conflicts (2 of 4 stars). 2 submissions from 2 submitters: Uncertain significance (2). Last evaluated 2025-01-21.

Conditions:
Inborn genetic diseases. Identifiers: MedGen C0950123, MeSH D030342.
Orthostatic hypotension 1 (ORTHYP1). Also called: Dopamine beta-hydroxylase deficiency; NORADRENALINE DEFICIENCY; NOREPINEPHRINE DEFICIENCY; Orthostatic hypotension 1, due to DBH deficiency. Identifiers: Orphanet 230, MedGen C4746777, MONDO:0009123, OMIM 223360.

Allele frequency attached by ClinVar (database versions not stated): ESP Exome Variant Server 0.00031.
gnomAD v4.1: 20 of 1,613,954 alleles (0.0012%); highest among the groups gnomAD compares: African/African-American, 0.027%; no homozygotes.

Submissions (2):

Ambry Genetics
Classification: Uncertain significance for Inborn genetic diseases. Last evaluated: 2025-01-21. Review status: criteria provided, single submitter. Criteria: Ambry Variant Classification Scheme 2023. Collection method: clinical testing. Allele origin: germline.

Labcorp Genetics (formerly Invitae), Labcorp
Classification: Uncertain significance for Orthostatic hypotension 1. Last evaluated: 2021-12-27. Review status: criteria provided, single submitter. Criteria: Invitae Variant Classification Sherloc (09022015). Collection method: clinical testing. Allele origin: germline.
Comment: In summary, the available evidence is currently insufficient to determine the role of this variant in disease. Therefore, it has been classified as a Variant of Uncertain Significance. Algorithms developed to predict the effect of missense changes on protein structure and function (SIFT, PolyPhen-2, Align-GVGD) all suggest that this variant is likely to be tolerated. This variant has not been reported in the literature in individuals affected with DBH-related conditions. This variant is present in population databases (rs150202872, gnomAD 0.02%). This sequence change replaces arginine, which is basic and polar, with leucine, which is neutral and non-polar, at codon 549 of the DBH protein (p.Arg549Leu).

NM_000787.4(DBH):c.1646G>T (p.Arg549Leu)

Genes: DBH (dopamine beta-hydroxylase; plus strand), DBH-AS1 (DBH antisense RNA 1; minus strand). Cytogenetic location: 9q34.2.
Variant type: single nucleotide variant.
Coding change: c.1646G>T on transcript NM_000787.4 (MANE Select); coding-DNA position 1646, G replaced by T.
Protein change: p.Arg549Leu; replaces arginine 549 with leucine.
Molecular consequence: missense variant. On other transcripts: non-coding transcript variant (1).
Genome position (GRCh38, 1-based): chr9:133,657,153, G>T. VCF-style: chr9-133657153-G-T. GRCh37 (hg19) VCF-style: chr9-136522275-G-T.
Other names: c.1646G>T (NM_000787.3); short protein forms R549L.
Identifiers: ClinVar variation 2166420 (VCV002166420.5), dbSNP rs150202872, ClinGen allele CA5313634.